The following is an entry in ClinVar:

NM_181703.4(GJA5):c.624T>G (p.Ile208Met)

Genes: GJA5 (gap junction protein alpha 5; minus strand), LOC122128420 (Sharpr-MPRA regulatory region 3144; plus strand). Cytogenetic location: 1q21.2.
Variant type: single nucleotide variant.
Coding change: c.624T>G on transcript NM_181703.4 (MANE Select); coding-DNA position 624, T replaced by G.
Protein change: p.Ile208Met; replaces isoleucine 208 with methionine.
Molecular consequence: missense variant.
Genome position (GRCh38, 1-based): chr1:147,758,615, A>C on the plus strand (T>G on the coding strand, the complement: GJA5 is on the minus strand). VCF-style: chr1-147758615-A-C. GRCh37 (hg19) VCF-style: chr1-147230723-A-C.
Other names: c.624T>G, p.Ile208Met (NM_005266.7); short protein forms I208M.
Identifiers: ClinVar variation 2952868 (VCV002952868.3), dbSNP rs2524609876, ClinGen allele CA342395347.

ClinVar aggregate classification (germline): Uncertain significance (1 of 4 stars; one submission).

Conditions:
Atrial standstill 1 (ATRST1). Also called: Atrial standstill, digenic (GJA5/SCN5A); ATRIAL CARDIOMYOPATHY WITH HEART BLOCK; CARDIOMYOPATHY, FAMILIAL, WITH CONDUCTION DISTURBANCE. Identifiers: Orphanet 1344, MedGen C4551959, MONDO:0007171, OMIM 108770.
Atrial fibrillation, familial, 11 (ATFB11). Identifiers: MedGen C3279693, MONDO:0013544, OMIM 614049.

Submission:

Labcorp Genetics (formerly Invitae), Labcorp
Classification: Uncertain significance for Atrial fibrillation, familial, 11; Atrial standstill 1. Last evaluated: 2023-10-14. Review status: criteria provided, single submitter. Criteria: Invitae Variant Classification Sherloc (09022015). Collection method: clinical testing. Allele origin: germline.
Comment: This sequence change replaces isoleucine, which is neutral and non-polar, with methionine, which is neutral and non-polar, at codon 208 of the GJA5 protein (p.Ile208Met). This variant is not present in population databases (gnomAD no frequency). This variant has not been reported in the literature in individuals affected with GJA5-related conditions. Advanced modeling of protein sequence and biophysical properties (such as structural, functional, and spatial information, amino acid conservation, physicochemical variation, residue mobility, and thermodynamic stability) performed at Invitae indicates that this missense variant is not expected to disrupt GJA5 protein function. In summary, the available evidence is currently insufficient to determine the role of this variant in disease. Therefore, it has been classified as a Variant of Uncertain Significance.